The following is an entry in ClinVar:

NM_000094.4(COL7A1):c.4186A>G (p.Thr1396Ala)

Gene: COL7A1 (collagen type VII alpha 1 chain; minus strand). Cytogenetic location: 3p21.31.
Variant type: single nucleotide variant.
Coding change: c.4186A>G on transcript NM_000094.4 (MANE Select); coding-DNA position 4186, A replaced by G.
Protein change: p.Thr1396Ala; replaces threonine 1396 with alanine.
Molecular consequence: missense variant.
Genome position (GRCh38, 1-based): chr3:48,584,309, T>C on the plus strand (A>G on the coding strand, the complement: COL7A1 is on the minus strand). VCF-style: chr3-48584309-T-C. GRCh37 (hg19) VCF-style: chr3-48621742-T-C.
Other names: short protein forms T1396A.
Identifiers: ClinVar variation 2174450 (VCV002174450.2), dbSNP rs773820875, ClinGen allele CA352695053.

ClinVar aggregate classification (germline): Uncertain significance. Review status: criteria provided, multiple submitters, no conflicts (2 of 4 stars). 2 submissions from 2 submitters: Uncertain significance (2). Last evaluated 2025-09-09.

Conditions:
Inborn genetic diseases. Identifiers: MedGen C0950123, MeSH D030342.

Allele frequency attached by ClinVar (database versions not stated): gnomAD exomes below 0.00001; gnomAD 0.00001; TOPMed 0.00001.
gnomAD v4.1: 3 of 1,609,650 alleles (0.00019%); highest among the groups gnomAD compares: Non-Finnish European, 0.00025%; no homozygotes.

Submissions (2):

Ambry Genetics
Classification: Uncertain significance for Inborn genetic diseases. Last evaluated: 2025-09-09. Review status: criteria provided, single submitter. Criteria: Ambry Variant Classification Scheme 2023. Collection method: clinical testing. Allele origin: germline.

Labcorp Genetics (formerly Invitae), Labcorp
Classification: Uncertain significance. Last evaluated: 2022-09-27. Review status: criteria provided, single submitter. Criteria: Invitae Variant Classification Sherloc (09022015). Collection method: clinical testing. Allele origin: germline.
Comment: This sequence change replaces threonine, which is neutral and polar, with alanine, which is neutral and non-polar, at codon 1396 of the COL7A1 protein (p.Thr1396Ala). This variant is not present in population databases (gnomAD no frequency). This variant has not been reported in the literature in individuals affected with COL7A1-related conditions. Advanced modeling of protein sequence and biophysical properties (such as structural, functional, and spatial information, amino acid conservation, physicochemical variation, residue mobility, and thermodynamic stability) performed at Invitae indicates that this missense variant is not expected to disrupt COL7A1 protein function. In summary, the available evidence is currently insufficient to determine the role of this variant in disease. Therefore, it has been classified as a Variant of Uncertain Significance.